The following is an entry in ClinVar:

NM_000069.3(CACNA1S):c.493A>G (p.Arg165Gly)

Gene: CACNA1S (calcium voltage-gated channel subunit alpha1 S; minus strand). Cytogenetic location: 1q32.1.
Variant type: single nucleotide variant.
Coding change: c.493A>G on transcript NM_000069.3 (MANE Select); coding-DNA position 493, A replaced by G.
Protein change: p.Arg165Gly; replaces arginine 165 with glycine.
Molecular consequence: missense variant.
Genome position (GRCh38, 1-based): chr1:201,092,020, T>C on the plus strand (A>G on the coding strand, the complement: CACNA1S is on the minus strand). VCF-style: chr1-201092020-T-C. GRCh37 (hg19) VCF-style: chr1-201061148-T-C.
Other names: short protein forms R165G.
Identifiers: ClinVar variation 2075387 (VCV002075387.4), dbSNP rs1553252766, ClinGen allele CA344141765.

ClinVar aggregate classification (germline): Uncertain significance (1 of 4 stars; one submission).

Conditions:
Malignant hyperthermia, susceptibility to, 5 (MHS5). Also called: CACNA1S-Related Malignant Hyperthermia Susceptibility. Identifiers: Orphanet 423, MedGen C1866077, MONDO:0011163, OMIM 601887.
Hypokalemic periodic paralysis, type 1. Also called: Hypokalemic Periodic Paralysis Type 1 (AD); HypoPP. Identifiers: Orphanet 681, MedGen C3714580, MONDO:0042979, OMIM 170400.

Submission:

Labcorp Genetics (formerly Invitae), Labcorp
Classification: Uncertain significance for Hypokalemic periodic paralysis, type 1; Malignant hyperthermia, susceptibility to, 5. Last evaluated: 2022-03-27. Review status: criteria provided, single submitter. Criteria: Invitae Variant Classification Sherloc (09022015). Collection method: clinical testing. Allele origin: germline.
Comment: This variant is not present in population databases (gnomAD no frequency). This sequence change replaces arginine, which is basic and polar, with glycine, which is neutral and non-polar, at codon 165 of the CACNA1S protein (p.Arg165Gly). This variant has not been reported in the literature in individuals affected with CACNA1S-related conditions. Advanced modeling of protein sequence and biophysical properties (such as structural, functional, and spatial information, amino acid conservation, physicochemical variation, residue mobility, and thermodynamic stability) performed at Invitae indicates that this missense variant is not expected to disrupt CACNA1S protein function. In summary, the available evidence is currently insufficient to determine the role of this variant in disease. Therefore, it has been classified as a Variant of Uncertain Significance.